The following is an entry in ClinVar:

ClinVar aggregate classification (germline): Uncertain significance (1 of 4 stars; one submission).

Allele frequency attached by ClinVar (database versions not stated): TOPMed below 0.00001; ExAC 0.00001; gnomAD 0.00001; ESP Exome Variant Server 0.00008.
gnomAD v4.1: 8 of 1,602,590 alleles (0.0005%); highest among the groups gnomAD compares: South Asian, 0.0011%; no homozygotes.

Submission:

CeGaT Center for Human Genetics Tuebingen
Classification: Uncertain significance. Last evaluated: 2022-08-01. Review status: criteria provided, single submitter. Criteria: CeGaT Center For Human Genetics Tuebingen Variant Classification Criteria Version 2. Collection method: clinical testing. Allele origin: germline. Affected: yes. Observed: 2 variant alleles.
Comment: GRM1: PM2, BP4

NM_001278064.2(GRM1):c.3028C>T (p.Pro1010Ser)

Gene: GRM1 (glutamate metabotropic receptor 1; plus strand). Cytogenetic location: 6q24.3.
Variant type: single nucleotide variant.
Coding change: c.3028C>T on transcript NM_001278064.2 (MANE Select); coding-DNA position 3028, C replaced by T.
Protein change: p.Pro1010Ser; replaces proline 1010 with serine.
Molecular consequence: missense variant. On other transcripts: 3 prime UTR variant (3).
Genome position (GRCh38, 1-based): chr6:146,434,239, C>T. VCF-style: chr6-146434239-C-T. GRCh37 (hg19) VCF-style: chr6-146755375-C-T.
Other names: c.*392C>T (NM_001278065.2); c.*357C>T (NM_001278066.1); c.*266C>T (NM_001278067.1); short protein forms P1010S.
Identifiers: ClinVar variation 2656974 (VCV002656974.24), dbSNP rs373474710, ClinGen allele CA4037599.